The following is an entry in ClinVar:

NM_025074.7(FRAS1):c.3558del (p.Lys1186fs)

Gene: FRAS1 (Fraser extracellular matrix complex subunit 1; plus strand). Cytogenetic location: 4q21.21.
Variant type: Deletion.
Coding change: c.3558del on transcript NM_025074.7 (MANE Select); coding-DNA position 3558, one base deleted (A; older notation c.3558delA).
Protein change: p.Lys1186fs; shifts the reading frame from lysine 1186.
Molecular consequence: frameshift variant.
Genome position (GRCh38, 1-based): chr4:78,379,991, A deleted; the last of 5 consecutive A bases (chr4:78,379,987-78,379,991); deleting any one gives the same sequence. VCF-style (leftmost placement, unchanged base first): chr4-78379986-GA-G. GRCh37 (hg19) VCF-style: chr4-79301140-GA-G.
Other names: c.3558del, p.Lys1186fs (NM_001166133.2); short protein forms K1186fs.
Identifiers: ClinVar variation 2754568 (VCV002754568.3), dbSNP rs2476932079, ClinGen allele CA440224271.
Genomic context (GRCh38, chr4:78,379,986, plus strand): 5'-GCTGGCCGTTTTAGCTGGAAAGATGTGAACGAGAAGAAAGTGCGTTTTGTGCACAGCAAA[GA>G]AAAACTCAGGTGACTCTGTGTTCTGTTGTTTTCTTCCTGCCTCCTTTCCATCATTGCTTT-3'

ClinVar aggregate classification (germline): Pathogenic (1 of 4 stars; one submission).

Submission:

Labcorp Genetics (formerly Invitae), Labcorp
Classification: Pathogenic. Last evaluated: 2023-08-23. Review status: criteria provided, single submitter. Criteria: Invitae Variant Classification Sherloc (09022015). Collection method: clinical testing. Allele origin: germline.
Comment: This variant has not been reported in the literature in individuals affected with FRAS1-related conditions. This sequence change creates a premature translational stop signal (p.Lys1186Asnfs*9) in the FRAS1 gene. It is expected to result in an absent or disrupted protein product. Loss-of-function variants in FRAS1 are known to be pathogenic (PMID: 12766769, 18671281). This variant is not present in population databases (gnomAD no frequency). For these reasons, this variant has been classified as Pathogenic.

Literature cited by the submitters: PubMed 12766769; PubMed 18671281.